The following is an entry in ClinVar:

NM_001378120.1(MBD5):c.2623G>A (p.Ala875Thr)

Gene: MBD5 (methyl-CpG binding domain protein 5; plus strand). Cytogenetic location: 2q23.1.
Variant type: single nucleotide variant.
Coding change: c.2623G>A on transcript NM_001378120.1 (MANE Select); coding-DNA position 2623, G replaced by A.
Protein change: p.Ala875Thr; replaces alanine 875 with threonine.
Molecular consequence: missense variant.
Genome position (GRCh38, 1-based): chr2:148,483,214, G>A. VCF-style: chr2-148483214-G-A. GRCh37 (hg19) VCF-style: chr2-149240783-G-A.
Other names: c.2623G>A, p.Ala875Thr (NM_018328.5); short protein forms A875T.
Identifiers: ClinVar variation 3667192 (VCV003667192.2).

ClinVar aggregate classification (germline): Uncertain significance (1 of 4 stars; one submission).

Conditions:
Intellectual developmental disorder, autosomal dominant 1. Also called: MBD5 Haploinsufficiency; Intellectual disability, autosomal dominant 1. Identifiers: Orphanet 228402, MedGen C1969562, MONDO:0007974, OMIM 156200.

Submission:

Labcorp Genetics (formerly Invitae), Labcorp
Classification: Uncertain significance for Intellectual developmental disorder, autosomal dominant 1. Last evaluated: 2024-09-23. Review status: criteria provided, single submitter. Criteria: Invitae Variant Classification Sherloc (09022015). Collection method: clinical testing. Allele origin: germline.
Comment: This sequence change replaces alanine, which is neutral and non-polar, with threonine, which is neutral and polar, at codon 875 of the MBD5 protein (p.Ala875Thr). This variant is not present in population databases (gnomAD no frequency). This variant has not been reported in the literature in individuals affected with MBD5-related conditions. Invitae Evidence Modeling of protein sequence and biophysical properties (such as structural, functional, and spatial information, amino acid conservation, physicochemical variation, residue mobility, and thermodynamic stability) indicates that this missense variant is not expected to disrupt MBD5 protein function with a negative predictive value of 80%. In summary, the available evidence is currently insufficient to determine the role of this variant in disease. Therefore, it has been classified as a Variant of Uncertain Significance.